The following is an entry in ClinVar:

ClinVar aggregate classification (germline): Likely pathogenic (1 of 4 stars; one submission).

Conditions:
GIGYF1-related disorder. Also called: GIGYF1-related condition.

Submission:

PreventionGenetics, part of Exact Sciences
Classification: Likely pathogenic for GIGYF1-related condition. Last evaluated: 2025-08-20. Review status: criteria provided, single submitter. Criteria: ACMG Guidelines, 2015. Collection method: clinical testing. Allele origin: germline.
Comment: The GIGYF1 c.1952C>G variant is predicted to result in premature protein termination (p.Ser651*). To our knowledge, this variant has not been reported in the literature or in a large population database (gnomAD), indicating this variant is rare. Nonsense variants in GIGYF1 are expected to be pathogenic. This variant is interpreted as likely pathogenic.

NM_001375765.1(GIGYF1):c.1952C>G (p.Ser651Ter)

Gene: GIGYF1 (GRB10 interacting GYF protein 1; minus strand). Cytogenetic location: 7q22.1.
Variant type: single nucleotide variant.
Coding change: c.1952C>G on transcript NM_001375765.1 (MANE Select); coding-DNA position 1952, C replaced by G.
Protein change: p.Ser651Ter; replaces serine 651 with a stop codon.
Molecular consequence: nonsense. On other transcripts: non-coding transcript variant (1).
Genome position (GRCh38, 1-based): chr7:100,683,835, G>C on the plus strand (C>G on the coding strand, the complement: GIGYF1 is on the minus strand). VCF-style: chr7-100683835-G-C. GRCh37 (hg19) VCF-style: chr7-100281458-G-C.
Other names: NM_022574.4:c.1952C>G; c.1952C>G, p.Ser651Ter (NM_001375759.1, NM_001375760.1, NM_001375761.1 and 6 more transcripts); short protein forms S651*.
Identifiers: ClinVar variation 4997144 (VCV004997144.1).